The following is an entry in ClinVar:

NM_001384732.1(CPLANE1):c.7747A>T (p.Lys2583Ter)

Gene: CPLANE1 (ciliogenesis and planar polarity effector complex subunit 1; minus strand). Cytogenetic location: 5p13.2.
Variant type: single nucleotide variant.
Coding change: c.7747A>T on transcript NM_001384732.1 (MANE Select); coding-DNA position 7747, A replaced by T.
Protein change: p.Lys2583Ter; replaces lysine 2583 with a stop codon.
Molecular consequence: nonsense.
Genome position (GRCh38, 1-based): chr5:37,158,289, T>A on the plus strand (A>T on the coding strand, the complement: CPLANE1 is on the minus strand). VCF-style: chr5-37158289-T-A. GRCh37 (hg19) VCF-style: chr5-37158391-T-A.
Other names: c.7747A>T, p.Lys2583Ter (NM_023073.4); short protein forms K2583*.
Identifiers: ClinVar variation 2726293 (VCV002726293.3), dbSNP rs761247503, ClinGen allele CA117046138.

ClinVar aggregate classification (germline): Pathogenic (1 of 4 stars; one submission).

Allele frequency attached by ClinVar (database versions not stated): gnomAD exomes below 0.00001; TOPMed 0.00001.
gnomAD v4.1: 3 of 1,613,924 alleles (0.00019%); highest among the groups gnomAD compares: Non-Finnish European, 0.00025%; no homozygotes.

Submission:

Labcorp Genetics (formerly Invitae), Labcorp
Classification: Pathogenic. Last evaluated: 2023-11-18. Review status: criteria provided, single submitter. Criteria: Invitae Variant Classification Sherloc (09022015). Collection method: clinical testing. Allele origin: germline.
Comment: This sequence change creates a premature translational stop signal (p.Lys2583*) in the CPLANE1 gene. It is expected to result in an absent or disrupted protein product. Loss-of-function variants in CPLANE1 are known to be pathogenic (PMID: 24178751, 26092869). This variant is not present in population databases (gnomAD no frequency). This variant has not been reported in the literature in individuals affected with CPLANE1-related conditions. Algorithms developed to predict the effect of sequence changes on RNA splicing suggest that this variant may disrupt the consensus splice site. For these reasons, this variant has been classified as Pathogenic.

Literature cited by the submitters: PubMed 24178751; PubMed 26092869.